The following is an entry in ClinVar:

NM_006031.6(PCNT):c.5607G>A (p.Thr1869=)

Gene: PCNT (pericentrin; plus strand). Cytogenetic location: 21q22.3.
Variant type: single nucleotide variant.
Coding change: c.5607G>A on transcript NM_006031.6 (MANE Select); coding-DNA position 5607, G replaced by A.
Protein change: p.Thr1869=; no amino-acid change (threonine 1869 retained).
Molecular consequence: synonymous variant.
Genome position (GRCh38, 1-based): chr21:46,411,680, G>A. VCF-style: chr21-46411680-G-A. GRCh37 (hg19) VCF-style: chr21-47831594-G-A.
Other names: c.5253G>A, p.Thr1751= (NM_001315529.2).
Identifiers: ClinVar variation 512823 (VCV000512823.3), dbSNP rs763347923, ClinGen allele CA10080038.
Genomic context (GRCh38, chr21:46,411,680, plus strand): 5'-CGAAGACATGGCCTCCCGGATCCAGGAGTTCGAAGCGGCCCTGAAAGCAAAGGAAGCGAC[G>A]ATTGCCGAGAGAAATTTAGAAATCGACGCTCTGAACCAGCGGAAGGCGGCCCACTCTGCC-3'
Protein context (NP_006022.3, residues 1859-1879): FEAALKAKEA[Thr1869=]IAERNLEIDA

ClinVar aggregate classification (germline): Likely benign. Review status: criteria provided, single submitter (1 of 4 stars). 2 submissions from 2 submitters: Likely benign (1). 1 of the submissions does not count toward it. Last evaluated 2017-10-25.

Conditions:
PCNT-related disorder. Also called: PCNT-related condition.

Allele frequency attached by ClinVar (database versions not stated): gnomAD exomes below 0.00001; TOPMed below 0.00001; ExAC 0.00001.
gnomAD v4.1: 6 of 1,612,994 alleles (0.00037%); highest among the groups gnomAD compares: African/African-American, 0.0013%; no homozygotes.

Submissions (2):

GeneDx
Classification: Likely benign. Last evaluated: 2017-10-25. Review status: criteria provided, single submitter. Criteria: GeneDx Variant Classification (06012015). Collection method: clinical testing. Allele origin: germline. Affected: yes.
Comment: This variant is considered likely benign or benign based on one or more of the following criteria: it is a conservative change, it occurs at a poorly conserved position in the protein, it is predicted to be benign by multiple in silico algorithms, and/or has population frequency not consistent with disease.

PreventionGenetics, part of Exact Sciences
Classification: Likely benign for PCNT-related condition. Last evaluated: 2023-04-17. Review status: no assertion criteria provided. Collection method: clinical testing. Allele origin: germline. Not counted in ClinVar's aggregate classification.
Comment: This variant is classified as likely benign based on ACMG/AMP sequence variant interpretation guidelines (Richards et al. 2015 PMID: 25741868, with internal and published modifications).